The following is an entry in ClinVar:

NM_000814.6(GABRB3):c.1081-5391T>A

Gene: GABRB3 (gamma-aminobutyric acid type A receptor subunit beta3; minus strand). Cytogenetic location: 15q12.
Variant type: single nucleotide variant.
Coding change: c.1081-5391T>A on transcript NM_000814.6 (MANE Select); 5391 bases into the intron before coding-DNA position 1081, T replaced by A.
Molecular consequence: intron variant.
Genome position (GRCh38, 1-based): chr15:26,553,525, A>T on the plus strand (T>A on the coding strand, the complement: GABRB3 is on the minus strand). VCF-style: chr15-26553525-A-T. GRCh37 (hg19) VCF-style: chr15-26798672-A-T.
Other names: c.1081-5391T>A (NM_021912.5); c.826-5391T>A (NM_001278631.2, NM_001191320.2); c.868-5391T>A (NM_001191321.3).
Identifiers: ClinVar variation 2645020 (VCV002645020.24), dbSNP rs541460312, ClinGen allele CA268153670.

ClinVar aggregate classification (germline): Likely benign (1 of 4 stars; one submission).

Allele frequency attached by ClinVar (database versions not stated): 1000 Genomes Project 0.00060; 1000 Genomes Project 30x 0.00062; TOPMed 0.00124; gnomAD 0.00137.

Submission:

CeGaT Center for Human Genetics Tuebingen
Classification: Likely benign. Last evaluated: 2022-11-01. Review status: criteria provided, single submitter. Criteria: CeGaT Center For Human Genetics Tuebingen Variant Classification Criteria Version 2. Collection method: clinical testing. Allele origin: germline. Affected: yes. Observed: 1 variant allele.
Comment: GABRB3: BS1